The following is an entry in ClinVar:

ClinVar aggregate classification (germline): Conflicting classifications of pathogenicity. Review status: criteria provided, conflicting classifications (1 of 4 stars). 5 submissions from 5 submitters: Uncertain significance (1); Likely benign (4). Last evaluated 2026-01-26.

Conditions:
Hyperphosphatasia with impaired intellectual development syndrome 2. Also called: GLYCOSYLPHOSPHATIDYLINOSITOL BIOSYNTHESIS DEFECT 6; Hyperphosphatasia with intellectual disability syndrome 2. Identifiers: Orphanet 247262, MedGen C3553637, MONDO:0013882, OMIM 614749.

Allele frequency attached by ClinVar (database versions not stated): ESP Exome Variant Server 0.00023; TOPMed 0.00026.
gnomAD v4.1: 491 of 1,614,114 alleles (0.03%); highest among the groups gnomAD compares: Middle Eastern, 0.066%; 1 homozygote.

Submissions (5):

Labcorp Genetics (formerly Invitae), Labcorp
Classification: Likely benign for Hyperphosphatasia with impaired intellectual development syndrome 2. Last evaluated: 2026-01-26. Review status: criteria provided, single submitter. Criteria: Invitae Variant Classification Sherloc (09022015). Collection method: clinical testing. Allele origin: germline.

CeGaT Center for Human Genetics Tuebingen
Classification: Likely benign. Last evaluated: 2024-10-01. Review status: criteria provided, single submitter. Criteria: CeGaT Center For Human Genetics Tuebingen Variant Classification Criteria Version 2. Collection method: clinical testing. Allele origin: germline. Affected: yes. Observed: 3 variant alleles.
Comment: PIGO: BP4, BP7

Blueprint Genetics
Classification: Likely benign. Last evaluated: 2024-09-27. Review status: criteria provided, single submitter. Criteria: ACMG Guidelines, 2015. Collection method: clinical testing. Allele origin: germline.

Illumina Laboratory Services, Illumina
Classification: Uncertain significance for Hyperphosphatasia with impaired intellectual development syndrome 2. Last evaluated: 2018-01-13. Review status: criteria provided, single submitter. Criteria: ICSL Variant Classification Criteria 13 December 2019. Collection method: clinical testing. Allele origin: germline.

GeneDx
Classification: Likely benign. Last evaluated: 2017-10-09. Review status: criteria provided, single submitter. Criteria: GeneDx Variant Classification (06012015). Collection method: clinical testing. Allele origin: germline. Affected: yes.
Comment: This variant is considered likely benign or benign based on one or more of the following criteria: it is a conservative change, it occurs at a poorly conserved position in the protein, it is predicted to be benign by multiple in silico algorithms, and/or has population frequency not consistent with disease.

NM_032634.4(PIGO):c.1758C>T (p.Val586=)

Gene: PIGO (phosphatidylinositol glycan anchor biosynthesis class O; minus strand). Cytogenetic location: 9p13.3.
Variant type: single nucleotide variant.
Coding change: c.1758C>T on transcript NM_032634.4 (MANE Select); coding-DNA position 1758, C replaced by T.
Protein change: p.Val586=; no amino-acid change (valine 586 retained).
Molecular consequence: synonymous variant. On other transcripts: intron variant (2).
Genome position (GRCh38, 1-based): chr9:35,092,129, G>A on the plus strand (C>T on the coding strand, the complement: PIGO is on the minus strand). VCF-style: chr9-35092129-G-A. GRCh37 (hg19) VCF-style: chr9-35092126-G-A.
Other names: c.1344+414C>T (NM_152850.4, NM_001201484.2).
Identifiers: ClinVar variation 473217 (VCV000473217.41), dbSNP rs144103228, ClinGen allele CA5040569.